The following continues an entry in ClinVar:

NM_000518.4(HBB):c.364G>C (p.Glu122Gln)

ClinVar aggregate classification (germline): Pathogenic/Likely pathogenic. Pathogenic (15); Likely pathogenic (7).

Submissions 8 to 18 of 24:

Quest Diagnostics Nichols Institute San Juan Capistrano
Classification: Likely pathogenic. Last evaluated: 2023-01-09. Review status: criteria provided, single submitter. Criteria: Quest Diagnostics criteria. Collection method: clinical testing. Allele origin: unknown.
Comment: In the published literature, individuals who are heterozygous or homozygous for this variant typically have a normal clinical presentation (PMIDs: 30626242 (2018), 25666204 (2015), 24123366 (2014), 12403491 (2002), and 1177278 (1975)). There have been individuals reported to have mild anemia when compound heterozygous with additional HBB variants (PMIDs: 31973650 (2020), 9140717 (1997), and 4078867 (1985)). However, individuals who are compound heterozygous for the Hb D-Los Angeles and Hb S variants have a clinically significant sickling disorder that is similar to sickle cell disease (PMIDs: 25818823 (2015), 24616059 (2014), and 5672850 (1968)). Additionally, individuals who are compound heterozygous for the Hb D-Los Angeles variant and a beta-globin pathogenic variant associated with beta-thalassemia may be affected by beta-thalassemia (PMID: 30626242 (2018), 25087612 (2014), 22028795 (2011), 2307460 (1990)). Analysis of this variant using bioinformatics tools for the prediction of the effect of amino acid changes on protein structure and function yielded conflicting predictions that this variant is deleterious or benign. Based on the available information, this variant is classified as likely pathogenic.

Laboratory for Molecular Medicine, Mass General Brigham Personalized Medicine
Classification: Pathogenic for beta Thalassemia. Last evaluated: 2022-11-03. Review status: criteria provided, single submitter. Criteria: ACMG Guidelines, 2015. Collection method: clinical testing. Allele origin: germline.
Comment: The p.Glu122Gln variant in HBB (also known as Glu121Gln, HbD-Los Angeles, HbD-Punjab, HbD-North-Carolina, HbD-Portugal, and HbD-Chicago) is considered a founder mutation in the Punjabi region of India, Italy, Belgium, Austria, and Turkey (Torres Lde 2015 PMID: 25818823). Heterozygous carriers, but also homozygous individuals, are commonly clinically asymptomatic (HbVar database, Torres Lde 2015 PMID: 25818823). However, individuals who carry this variant in trans with another pathogenic variant may have clinically significant symptoms e.g., sickle cell disease or hemolytic anemia (Perea 1999 PMID: 10490135, Theodoridou 2009 PMID: 27265282, Torres Lde 2015 PMID: 25818823). This variant has also been reported in ClinVar (Variation ID 15152). It has been identified in 21/4828 South Asian and in 10/68032 European chromosomes by gnomAD. Computational prediction tools and conservation analyses do not provide strong support for or against an impact to the protein. In vitro functional studies support an impact on protein function (Adachi 1988 PMID: 2895770). In summary, this variant meets criteria to be classified as pathogenic for autosomal recessive hemoglobinopathy. ACMG/AMP Criteria applied: PM3_VS, PS3_Moderate.

GeneDx
Classification: Pathogenic. Last evaluated: 2022-07-23. Review status: criteria provided, single submitter. Criteria: GeneDx Variant Classification Process June 2021. Collection method: clinical testing. Allele origin: germline. Affected: yes.
Comment: Considered a founder mutation with prevalence in the Punjabi region of India, Italy, Belgium, Austria, and Turkey (Torres Lde et al., 2015); Also referred to as E121Q due to the use of alternative nomenclature, and commonly called HbD Punjab or HbD Los Angeles (Torres Lde S et al., 2015); Published functional studies suggest a damaging effect, including decreased oxygen affinity of HbD (Narayanan et al., 2020); In silico analysis supports that this missense variant does not alter protein structure/function; This variant is associated with the following publications: (PMID: 3557998, 25087612, 22975760, 19958184, 25666204, 24123366, 22028795, 2307460, 26680249, 26990548, 8095930, 12403491, 24616059, 2895770, 20110664, 5672850, 4078867, 21194265, 25818823, 24814631, 28970692, 9140717, 30626242, 31553106, 31973650, 31980526, 34426522, 33867742, 6592161, 10490135, 32468185, 1177278)

Mendelics
Classification: Pathogenic for Heinz body anemia. Last evaluated: 2022-05-04. Review status: criteria provided, single submitter. Criteria: Mendelics Assertion Criteria 2019. Collection method: clinical testing. Allele origin: germline.

Genome-Nilou Lab
Classification: Likely pathogenic for Hb SS disease. Last evaluated: 2021-05-18. Review status: criteria provided, single submitter. Criteria: ACMG Guidelines, 2015. Collection method: clinical testing. Allele origin: germline. Affected: no.

Genetics and Genomic Medicine Centre, NeuroGen Healthcare, NeuroGen Healthcare
Classification: Pathogenic for Beta-thalassemia HBB/LCRB. Last evaluated: 2020-11-14. Review status: criteria provided, single submitter. Criteria: Submitter's publication. Collection method: clinical testing. Allele origin: unknown. Affected: no.

Myriad Genetics, Inc.
Classification: Likely pathogenic for Beta-thalassemia HBB/LCRB. Last evaluated: 2019-10-18. Review status: criteria provided, single submitter. Criteria: Myriad Women's Health Autosomal Recessive and X-Linked Classification Criteria (2019). Collection method: clinical testing. Allele origin: unknown.
Comment: NM_000518.4(HBB):c.364G>C(E122Q, aka Hb D-Punjab) is classified as likely pathogenic in the context of Hb beta chain-related hemoglobinopathy. Sources cited for classification include the following: PMID 5672850, 3557998, 4078867 and 1177278. Classification of NM_000518.4(HBB):c.364G>C(E122Q, aka Hb D-Punjab) is based on the following criteria: This is a well-established pathogenic variant in the literature that has been observed more frequently in patients with clinical diagnoses than in healthy populations. Please note: this variant was assessed in the context of healthy population screening.â€šÃ„Ã¶âˆšÃ‘âˆšÂ£

Women's Health and Genetics/Laboratory Corporation of America, LabCorp
Classification: Pathogenic for Hemoglobin D disease. Last evaluated: 2019-10-18. Review status: criteria provided, single submitter. Criteria: LabCorp Variant Classification Summary - May 2015. Collection method: clinical testing. Allele origin: germline.
Comment: Variant summary: HBB c.364G>C (p.Glu122Gln) results in a conservative amino acid change in the encoded protein sequence and is a common disease-associated variant. The variant is also cited in the literature as HbD-Los Angeles, HbD-Punjab, HbD-North-Carolina, HbD-Portugal, and HbD-Chicago. Four of five in-silico tools predict a benign effect of the variant on protein function. The variant allele was found at a frequency of 0.0007 in 251306 control chromosomes in the gnomAD database, including 4 homozygotes. When found in a homozygous or heterozygous state, c.364G>C is typically associated with either no disease phenotype or very mild anemia (e.g. Politis-Tsegos_1975, Rahimi_2006). However, when found in trans with other thalassemia-associated variants, phenotypes can range from mild to severe anemias and splenomegaly (e.g. Worthington_1985, Fucharoen_2002, Rahimi_2006). In addition, patients with this variant in trans with a pathogenic Hgb S variant may have a severe phenotype similar to Sickle Cell Disease (e.g. Mukherjee_2005). These data indicate that the variant is very likely to be associated with disease. At least one study has reported that the p.Glu122Gln protein may facilitate polymerization of Hgb S (Adachi_1998). Seven other laboratories have submitted clinical-significance assessments for this variant to ClinVar (evaluation after 2014), citing the variant four times as pathogenic, two times as likely pathogenic, and one time as uncertain significance. Based on the evidence outlined above, the variant was classified as pathogenic.

Illumina Laboratory Services, Illumina
Classification: Likely pathogenic for HBB-Related Disorders. Last evaluated: 2019-01-12. Review status: criteria provided, single submitter. Criteria: ICSL Variant Classification Criteria 09 May 2019. Collection method: clinical testing. Allele origin: germline.
Comment: The HBB c.364G>C (p.Glu122Gln) missense variant, which is also reported as p.Glu121Gln, Hb D-Punjab, and Hb D-Los Angeles, is the fourth most common haemoglobin variant found worldwide. Individuals who carry this variant in a heterozygous or homozygous state are generally asymptomatic, however, inheritance in a homozygous can result in a mild to moderate hemolytic anemia (Taghavi Basmanj et al. 2011; Torres et al. 2015). The p.Glu122Gln variant can occur in association with other hemoglobin variants, for example, HbS or thalassemia, resulting in moderate to severe clinical manifestations resembling a sickle cell disease phenotype or a mild microcytic and hypochromic anemia respectively (Adekile et al. 2010; Bender et al. 2014; Torres et al. 2015). The variant is reported at a frequency of 0.004997 in the South Asian population of the Genome Aggregation Database. Based on the evidence the p.Glu122Gln variant is classified as likely pathogenic for HBB-related disorders. This variant was observed by ICSL as part of a predisposition screen in an ostensibly healthy population.

Clinical Genetics and Genomics, Karolinska University Hospital
Classification: Pathogenic. Last evaluated: 2018-03-01. Review status: criteria provided, single submitter. Criteria: ACMG Guidelines, 2015. Collection method: clinical testing. Allele origin: germline. Affected: yes. Observed: 2 variant alleles.

Eurofins Ntd Llc (ga)
Classification: Pathogenic. Last evaluated: 2016-02-11. Review status: criteria provided, single submitter. Criteria: EGL Classification Definitions 2015. Collection method: clinical testing. Allele origin: germline. Observed: 3 variant alleles, 3 heterozygotes.